The following is an entry in ClinVar:

ClinVar aggregate classification (germline): Likely benign (1 of 4 stars; one submission).

gnomAD v4.1: 26 of 1,613,990 alleles (0.0016%); highest among the groups gnomAD compares: Middle Eastern, 0.033%; no homozygotes.

Submission:

CeGaT Center for Human Genetics Tuebingen
Classification: Likely benign. Last evaluated: 2026-06-01. Review status: criteria provided, single submitter. Criteria: CeGaT Center For Human Genetics Tuebingen Variant Classification Criteria Version 2. Collection method: clinical testing. Allele origin: germline. Affected: yes. Observed: 1 variant allele.
Comment: PINK1: BP4, BP7

NM_032409.3(PINK1):c.903A>G (p.Ser301=)

Genes: PINK1 (PTEN induced kinase 1; plus strand), PINK1-AS (PINK1 antisense RNA; minus strand). Cytogenetic location: 1p36.12.
Variant type: single nucleotide variant.
Coding change: c.903A>G on transcript NM_032409.3 (MANE Select); coding-DNA position 903, A replaced by G.
Protein change: p.Ser301=; no amino-acid change (serine 301 retained).
Molecular consequence: synonymous variant.
Genome position (GRCh38, 1-based): chr1:20,644,616, A>G. VCF-style: chr1-20644616-A-G. GRCh37 (hg19) VCF-style: chr1-20971109-A-G.
Identifiers: ClinVar variation 4873280 (VCV004873280.2).